The following is an entry in ClinVar:

ClinVar aggregate classification (germline): Uncertain significance. Review status: criteria provided, single submitter (1 of 4 stars). 2 submissions from 2 submitters: Uncertain significance (1). 1 of the submissions does not count toward it. Last evaluated 2024-04-08.

Conditions:
APC-related disorder. Also called: APC-related condition.
Familial adenomatous polyposis 1 (FAP1). Also called: FAMILIAL ADENOMATOUS POLYPOSIS 1, ATTENUATED; POLYPOSIS, ADENOMATOUS INTESTINAL. Identifiers: MedGen C2713442, MONDO:0021056, OMIM 175100. Disease mechanism: loss of function.

Allele frequency attached by ClinVar (database versions not stated): gnomAD exomes 0.00001.
gnomAD v4.1: 8 of 1,370,578 alleles (0.00058%); highest among the groups gnomAD compares: South Asian, 0.0098%; no homozygotes.

Submissions (2):

Labcorp Genetics (formerly Invitae), Labcorp
Classification: Uncertain significance for Familial adenomatous polyposis 1. Last evaluated: 2024-04-08. Review status: criteria provided, single submitter. Criteria: Invitae Variant Classification Sherloc (09022015). Collection method: clinical testing. Allele origin: germline.
Comment: This variant occurs in a non-coding region of the APC gene. It does not change the encoded amino acid sequence of the APC protein. This variant is present in population databases (no rsID available, gnomAD 0.004%). This variant has not been reported in the literature in individuals affected with APC-related conditions. ClinVar contains an entry for this variant (Variation ID: 537597). Experimental studies and prediction algorithms are not available or were not evaluated, and the functional significance of this variant is currently unknown. In summary, the available evidence is currently insufficient to determine the role of this variant in disease. Therefore, it has been classified as a Variant of Uncertain Significance.

PreventionGenetics, part of Exact Sciences
Classification: Likely benign for APC-related condition. Last evaluated: 2022-04-13. Review status: no assertion criteria provided. Collection method: clinical testing. Allele origin: germline. Not counted in ClinVar's aggregate classification.
Comment: This variant is classified as likely benign based on ACMG/AMP sequence variant interpretation guidelines (Richards et al. 2015 PMID: 25741868, with internal and published modifications).

NM_001127511.3(APC):c.91A>C (p.Arg31=)

Gene: APC (APC regulator of Wnt signaling pathway; plus strand). Cytogenetic location: 5q22.2.
Variant type: single nucleotide variant.
Coding change: c.91A>C on transcript NM_001127511.3; coding-DNA position 91, A replaced by C.
Protein change: p.Arg31=; no amino-acid change (arginine 31 retained).
Molecular consequence: synonymous variant. On other transcripts: intron variant (5), 5 prime UTR variant (8), non-coding transcript variant (1).
Genome position (GRCh38, 1-based): chr5:112,707,808, A>C. VCF-style: chr5-112707808-A-C. GRCh37 (hg19) VCF-style: chr5-112043505-A-C.
Other names: c.-19+159A>C (NM_001407458.1, NM_001407448.1, NM_001407450.1 and 1 more transcripts); c.-43+159A>C (NM_001407453.1); c.-93A>C (NM_001354895.2, NM_001407447.1, NM_001407452.1 and 3 more transcripts); c.91A>C, p.Arg31= (NM_001354897.2, NM_001354902.2, NM_001407446.1); c.-1128A>C (NM_001407470.1, NM_001407472.1).
Identifiers: ClinVar variation 537597 (VCV000537597.11), dbSNP rs1302045127, ClinGen allele CA561890291.